The following is an entry in ClinVar:

ClinVar aggregate classification (germline): Uncertain significance (1 of 4 stars; one submission).

Conditions:
Hereditary cancer-predisposing syndrome. Also called: Neoplastic Syndromes, Hereditary; Tumor predisposition; Hereditary neoplastic syndrome; Hereditary Cancer Syndrome. Identifiers: Orphanet 140162, MedGen C0027672, MeSH D009386, MONDO:0015356.

Submission:

Ambry Genetics
Classification: Uncertain significance for Hereditary cancer-predisposing syndrome. Last evaluated: 2022-12-14. Review status: criteria provided, single submitter. Criteria: Ambry Variant Classification Scheme 2023. Collection method: clinical testing. Allele origin: germline.
Comment: The c.213_215delGAA variant (also known as p.K72del) is located in coding exon 2 of the TSC2 gene. This variant results from an in-frame GAA deletion at nucleotide positions 213 to 215. This results in the in-frame deletion of a lysine at codon 72. This amino acid position is well conserved in available vertebrate species. In addition, this alteration is predicted to be deleterious by in silico analysis (Choi Y et al. PLoS ONE. 2012; 7(10):e46688). Since supporting evidence is limited at this time, the clinical significance of this alteration remains unclear.

NM_000548.5(TSC2):c.213_215del (p.Lys72del)

Gene: TSC2 (TSC complex subunit 2; plus strand). Cytogenetic location: 16p13.3.
Variant type: Deletion.
Coding change: c.213_215del on transcript NM_000548.5 (MANE Select); coding-DNA positions 213 to 215, 3 bases deleted (GAA; older notation c.213_215delGAA).
Protein change: p.Lys72del; deletes lysine 72.
Molecular consequence: inframe deletion. On other transcripts: 5 prime UTR variant (20), non-coding transcript variant (5).
Genome position (GRCh38, 1-based): chr16:2,050,474-2,050,476, GAA deleted; deleting any 3 consecutive bases within chr16:2,050,472-2,050,476 gives the same sequence; the c. name uses the placement nearest the transcript's 3' end. VCF-style (leftmost placement, unchanged base first): chr16-2050471-CAAG-C. GRCh37 (hg19) VCF-style: chr16-2100472-CAAG-C.
Other names: c.213_215del, p.Lys72del (NM_001077183.3, NM_001114382.3, NM_001318827.2 and 13 more transcripts); c.66_68del, p.Lys23del (NM_001318829.2, NM_001406675.1, NM_001406676.1 and 2 more transcripts); c.-14_-12del (NM_001318831.2, NM_001406682.1, NM_001406684.1 and 3 more transcripts); c.246_248del, p.Lys83del (NM_001318832.2); c.-604_-602del (NM_001406680.1, NM_001406683.1, NM_001406687.1); c.-233_-231del (NM_001406681.1); c.-1219_-1217del (NM_001406689.1, NM_001406690.1, NM_001406691.1 and 2 more transcripts); c.-1525_-1523del (NM_001406693.1); and 3 more; short protein forms K23del, K72del, K83del.
Identifiers: ClinVar variation 2449963 (VCV002449963.2), dbSNP rs2548373296, ClinGen allele CA2580090592.